The following is an entry in ClinVar:

ClinVar aggregate classification (germline): Uncertain significance (1 of 4 stars; one submission).

Conditions:
Hereditary cancer-predisposing syndrome. Also called: Tumor predisposition; Hereditary neoplastic syndrome; Neoplastic Syndromes, Hereditary; Hereditary Cancer Syndrome. Identifiers: Orphanet 140162, MedGen C0027672, MeSH D009386, MONDO:0015356.

Submission:

Ambry Genetics
Classification: Uncertain significance for Hereditary cancer-predisposing syndrome. Last evaluated: 2025-03-26. Review status: criteria provided, single submitter. Criteria: Ambry Variant Classification Scheme 2023. Collection method: clinical testing. Allele origin: germline.
Comment: The p.Q820E variant (also known as c.2458C>G), located in coding exon 20 of the EGFR gene, results from a C to G substitution at nucleotide position 2458. The glutamine at codon 820 is replaced by glutamic acid, an amino acid with highly similar properties. This amino acid position is highly conserved in available vertebrate species. In addition, this alteration is predicted to be deleterious by in silico analysis. Based on the available evidence, the clinical significance of this variant remains unclear.

NM_005228.5(EGFR):c.2458C>G (p.Gln820Glu)

Genes: EGFR (epidermal growth factor receptor; plus strand), EGFR-AS1 (EGFR antisense RNA 1; minus strand). Cytogenetic location: 7p11.2.
Variant type: single nucleotide variant.
Coding change: c.2458C>G on transcript NM_005228.5 (MANE Select); coding-DNA position 2458, C replaced by G.
Protein change: p.Gln820Glu; replaces glutamine 820 with glutamic acid.
Molecular consequence: missense variant. On other transcripts: non-coding transcript variant (1).
Genome position (GRCh38, 1-based): chr7:55,181,467, C>G. VCF-style: chr7-55181467-C-G. GRCh37 (hg19) VCF-style: chr7-55249160-C-G.
Other names: c.2323C>G, p.Gln775Glu (NM_001346897.2, NM_001346899.2); c.2458C>G, p.Gln820Glu (NM_001346898.2); c.2299C>G, p.Gln767Glu (NM_001346900.2); c.1657C>G, p.Gln553Glu (NM_001346941.2); short protein forms Q767E, Q820E, Q775E, Q553E.
Identifiers: ClinVar variation 4016685 (VCV004016685.1).